The following is an entry in ClinVar:

ClinVar aggregate classification (germline): Pathogenic (1 of 4 stars; one submission).

Conditions:
Severe myoclonic epilepsy in infancy (DRVT). Also called: Epileptic encephalopathy, early infantile, 6 (Dravet syndrome); SEVERE MYOCLONIC EPILEPSY OF INFANCY; DEVELOPMENTAL AND EPILEPTIC ENCEPHALOPATHY 6A; Severe Myoclonic Epilepsy in Infancy (SMEI); Dravet syndrome. Identifiers: Orphanet 33069, MedGen C0751122, MONDO:0100135, OMIM 607208.

Submission:

Center for Bioinformatics, Peking University
Classification: Pathogenic for Dravet syndrome. Last evaluated: 2014-12-20. Review status: criteria provided, single submitter. Criteria: Xu et al. (Hum Mutat. 2015). Collection method: research. Allele origin: de novo. Affected: yes. Observed: 1 variant allele. Study: University Clinical Cooperation “985 Project” PKU-2014-1-1.
Comment: Dravet syndrome (DS) probands were recruited from the outpatient and inpatient child neurology units of Peking University First Hospital from 2005 till present. The study was approved by the Ethics Committee of Peking University First Hospital and the Institutional Review Board at Peking University. Participants or their parents provided written informed consent before enrollment. We collected a total of 267 mutations from 255 families with probands diagnosed with DS in China. All probands fulfilled the clinical diagnostic criteria.

NM_001165963.4(SCN1A):c.1301del (p.Leu434fs)

Gene: SCN1A (sodium voltage-gated channel alpha subunit 1; minus strand). Cytogenetic location: 2q24.3.
Variant type: Deletion.
Coding change: c.1301del on transcript NM_001165963.4 (MANE Select); coding-DNA position 1301, one base deleted (T; older notation c.1301delT).
Protein change: p.Leu434fs; shifts the reading frame from leucine 434.
Molecular consequence: frameshift variant. On other transcripts: 5 prime UTR variant (1), non-coding transcript variant (1).
Genome position (GRCh38, 1-based): chr2:166,046,846, A deleted on the plus strand (T on the coding strand, the reverse complement: SCN1A is on the minus strand); the first of 2 consecutive A bases (chr2:166,046,846-166,046,847); deleting either gives the same sequence. VCF-style (leftmost placement, unchanged base first): chr2-166046845-CA-C. GRCh37 (hg19) VCF-style: chr2-166903355-CA-C.
Other names: c.1301del, p.Leu434fs (NM_001165964.3, NM_001202435.3, NM_001353948.2 and 10 more transcripts); c.-1125del (NM_001353961.2); short protein forms L434fs.
Identifiers: ClinVar variation 189977 (VCV000189977.1), dbSNP rs794726810, ClinGen allele CA303466.